The following is an entry in ClinVar:

NM_001793.6(CDH3):c.1049C>T (p.Thr350Met)

Gene: CDH3 (cadherin 3; plus strand). Cytogenetic location: 16q22.1.
Variant type: single nucleotide variant.
Coding change: c.1049C>T on transcript NM_001793.6 (MANE Select); coding-DNA position 1049, C replaced by T.
Protein change: p.Thr350Met; replaces threonine 350 with methionine.
Molecular consequence: missense variant.
Genome position (GRCh38, 1-based): chr16:68,682,354, C>T. VCF-style: chr16-68682354-C-T. GRCh37 (hg19) VCF-style: chr16-68716257-C-T.
Other names: c.1049C>T, p.Thr350Met (NM_001317195.3); c.884C>T, p.Thr295Met (NM_001317196.2); short protein forms T295M, T350M.
Identifiers: ClinVar variation 935763 (VCV000935763.6), dbSNP rs145286242, ClinGen allele CA8129240.

ClinVar aggregate classification (germline): Conflicting classifications of pathogenicity. Review status: criteria provided, conflicting classifications (1 of 4 stars). 2 submissions from 2 submitters: Uncertain significance (1); Likely benign (1). Last evaluated 2022-09-06.

Allele frequency attached by ClinVar (database versions not stated): gnomAD exomes 0.00002 and 0.00003; ExAC 0.00004; gnomAD 0.00006 and 0.00008; ESP Exome Variant Server 0.00008; TOPMed 0.00010.
gnomAD v4.1: 34 of 1,613,880 alleles (0.0021%); highest among the groups gnomAD compares: African/African-American, 0.025%; no homozygotes.

Submissions (2):

Labcorp Genetics (formerly Invitae), Labcorp
Classification: Uncertain significance. Last evaluated: 2022-09-06. Review status: criteria provided, single submitter. Criteria: Invitae Variant Classification Sherloc (09022015). Collection method: clinical testing. Allele origin: germline.
Comment: This sequence change replaces threonine with methionine at codon 350 of the CDH3 protein (p.Thr350Met). The threonine residue is moderately conserved and there is a moderate physicochemical difference between threonine and methionine. This variant is present in population databases (rs145286242, gnomAD 0.03%). This variant has not been reported in the literature in individuals affected with CDH3-related conditions. ClinVar contains an entry for this variant (Variation ID: 935763). Algorithms developed to predict the effect of missense changes on protein structure and function are either unavailable or do not agree on the potential impact of this missense change (SIFT: "Not Available"; PolyPhen-2: "Probably Damaging"; Align-GVGD: "Not Available"). In summary, the available evidence is currently insufficient to determine the role of this variant in disease. Therefore, it has been classified as a Variant of Uncertain Significance.

Blueprint Genetics
Classification: Likely benign. Last evaluated: 2022-04-28. Review status: criteria provided, single submitter. Criteria: ACMG Guidelines, 2015. Collection method: clinical testing. Allele origin: germline.